The following is an entry in ClinVar:

ClinVar aggregate classification (germline): Pathogenic (1 of 4 stars; one submission).

Conditions:
Myoclonic dystonia 11 (DYT11). Also called: DYT-SGCE; Myoclonic dystonia; Dystonia 11; Dystonia, alcohol responsive; Hereditary essential myoclonus; SGCE Myoclonus-Dystonia. Identifiers: Orphanet 36899, MedGen C1834570, MONDO:0008044, OMIM 159900.

Submission:

Labcorp Genetics (formerly Invitae), Labcorp
Classification: Pathogenic for Myoclonic dystonia 11. Last evaluated: 2021-09-15. Review status: criteria provided, single submitter. Criteria: Invitae Variant Classification Sherloc (09022015). Collection method: clinical testing. Allele origin: germline.
Comment: This variant is a gross deletion of the genomic region encompassing exon(s) 1 of the SGCE gene, which includes the initiator codon. This deletion extends beyond the assayed region for this gene and therefore may encompass additional genes. It is expected to result in an absent or disrupted protein product. Loss-of-function variants in SGCE are known to be pathogenic (PMID: 12821748, 15389977, 17853490, 24297365). For these reasons, this variant has been classified as Pathogenic. This variant has not been reported in the literature in individuals affected with SGCE-related conditions.

Literature cited by the submitters: PubMed 12821748; PubMed 15389977; PubMed 17853490; PubMed 24297365.

NC_000007.13:g.(?_94285282)_(94285410_?)del

Gene: SGCE (sarcoglycan epsilon; minus strand). Cytogenetic location: 7q21.3.
Variant type: Deletion.
Identifiers: ClinVar variation 1459683 (VCV001459683.4).